The following is an entry in ClinVar:

ClinVar aggregate classification (germline): Pathogenic (1 of 4 stars; one submission).

Conditions:
Duchenne muscular dystrophy (DMD). Also called: MUSCULAR DYSTROPHY, PSEUDOHYPERTROPHIC PROGRESSIVE, DUCHENNE TYPE; Duchenne Muscular Dystrophy (DMD). Identifiers: Orphanet 98896, MedGen C0013264, MONDO:0010679, OMIM 310200.

Submission:

Labcorp Genetics (formerly Invitae), Labcorp
Classification: Pathogenic for Duchenne muscular dystrophy. Last evaluated: 2024-05-26. Review status: criteria provided, single submitter. Criteria: Invitae Variant Classification Sherloc (09022015). Collection method: clinical testing. Allele origin: germline.
Comment: This sequence change creates a premature translational stop signal (p.Pro481Thrfs*2) in the DMD gene. It is expected to result in an absent or disrupted protein product. Loss-of-function variants in DMD are known to be pathogenic (PMID: 16770791, 25007885). This variant is not present in population databases (gnomAD no frequency). This variant has not been reported in the literature in individuals affected with DMD-related conditions. For these reasons, this variant has been classified as Pathogenic.

Literature cited by the submitters: PubMed 16770791; PubMed 25007885.

NM_004006.3(DMD):c.1439dup (p.Pro481fs)

Gene: DMD (dystrophin; minus strand). Cytogenetic location: Xp21.1.
Variant type: Duplication.
Coding change: c.1439dup on transcript NM_004006.3 (MANE Select); coding-DNA position 1439, one base duplicated (G; older notation c.1439dupG).
Protein change: p.Pro481fs; shifts the reading frame from proline 481.
Molecular consequence: frameshift variant.
Genome position (GRCh38, 1-based): chrX:32,614,346, C duplicated on the plus strand (G on the coding strand, the reverse complement: DMD is on the minus strand); the first of 2 consecutive C bases (chrX:32,614,346-32,614,347); duplicating either gives the same sequence. VCF-style (leftmost placement, unchanged base first): chrX-32614345-T-TC. GRCh37 (hg19) VCF-style: chrX-32632462-T-TC.
Other names: c.1415dup, p.Pro473fs (NM_000109.4); c.1427dup, p.Pro477fs (NM_004009.3); c.1070dup, p.Pro358fs (NM_004010.3); short protein forms P358fs, P473fs, P481fs, P477fs.
Identifiers: ClinVar variation 3654713 (VCV003654713.2).